The following is an entry in ClinVar:

NM_001388492.1(HTT):c.1300G>A (p.Val434Ile)

Gene: HTT (huntingtin; plus strand). Cytogenetic location: 4p16.3.
Variant type: single nucleotide variant.
Coding change: c.1300G>A on transcript NM_001388492.1 (MANE Select); coding-DNA position 1300, G replaced by A.
Protein change: p.Val434Ile; replaces valine 434 with isoleucine.
Molecular consequence: missense variant.
Genome position (GRCh38, 1-based): chr4:3,122,915, G>A. VCF-style: chr4-3122915-G-A. GRCh37 (hg19) VCF-style: chr4-3124642-G-A.
Other names: c.1306G>A, p.Val436Ile (NM_002111.8); short protein forms V434I, V436I.
Identifiers: ClinVar variation 1361033 (VCV001361033.6), dbSNP rs1390736918, ClinGen allele CA356072272.

ClinVar aggregate classification (germline): Uncertain significance (1 of 4 stars; one submission).

Allele frequency attached by ClinVar (database versions not stated): gnomAD 0.00001; gnomAD exomes 0.00001; TOPMed 0.00002.
gnomAD v4.1: 6 of 1,611,610 alleles (0.00037%); highest among the groups gnomAD compares: Middle Eastern, 0.016%; no homozygotes.

Submission:

Labcorp Genetics (formerly Invitae), Labcorp
Classification: Uncertain significance. Last evaluated: 2022-08-16. Review status: criteria provided, single submitter. Criteria: Invitae Variant Classification Sherloc (09022015). Collection method: clinical testing. Allele origin: germline.
Comment: In summary, the available evidence is currently insufficient to determine the role of this variant in disease. Therefore, it has been classified as a Variant of Uncertain Significance. Experimental studies and prediction algorithms are not available or were not evaluated, and the functional significance of this variant is currently unknown. ClinVar contains an entry for this variant (Variation ID: 1361033). This variant has not been reported in the literature in individuals affected with HTT-related conditions. This variant is present in population databases (no rsID available, gnomAD 0.003%). This sequence change replaces valine, which is neutral and non-polar, with isoleucine, which is neutral and non-polar, at codon 436 of the HTT protein (p.Val436Ile).